The following is an entry in ClinVar:

NM_005359.6(SMAD4):c.600G>T (p.Leu200=)

Gene: SMAD4 (SMAD family member 4; plus strand). Cytogenetic location: 18q21.2.
Variant type: single nucleotide variant.
Coding change: c.600G>T on transcript NM_005359.6 (MANE Select); coding-DNA position 600, G replaced by T.
Protein change: p.Leu200=; no amino-acid change (leucine 200 retained).
Molecular consequence: synonymous variant. On other transcripts: non-coding transcript variant (2).
Genome position (GRCh38, 1-based): chr18:51,054,926, G>T. VCF-style: chr18-51054926-G-T. GRCh37 (hg19) VCF-style: chr18-48581296-G-T.
Other names: c.600G>T, p.Leu200= (NM_001407041.1, NM_001407042.1, NM_001407043.1).
Identifiers: ClinVar variation 3904087 (VCV003904087.1).

ClinVar aggregate classification (germline): Benign (1 of 4 stars; one submission).

Conditions:
Juvenile polyposis/hereditary hemorrhagic telangiectasia syndrome (JPHT). Also called: JP/HHT SYNDROME; JUVENILE POLYPOSIS WITH HEREDITARY HEMORRHAGIC TELANGIECTASIA; POLYPOSIS, GENERALIZED JUVENILE, WITH PULMONARY ARTERIOVENOUS MALFORMATION; TELANGIECTASIA, HEREDITARY HEMORRHAGIC, WITH JUVENILE POLYPOSIS COLI; Juvenile Polyposis Syndrome / Hereditary Hemorrhagic Telangiectasia (JPS/HHT). Identifiers: Orphanet 2929, MedGen C1832942, MONDO:0008278, OMIM 175050.

Submission:

Myriad Genetics, Inc.
Classification: Benign for Juvenile polyposis/hereditary hemorrhagic telangiectasia syndrome. Last evaluated: 2025-03-19. Review status: criteria provided, single submitter. Criteria: Myriad Autosomal Dominant, Autosomal Recessive and X-Linked Classification Criteria (2023). Collection method: clinical testing. Allele origin: unknown.
Comment: This variant is considered benign. This variant is a silent/synonymous amino acid change and it is not expected to impact splicing.